The following is an entry in ClinVar:

ClinVar aggregate classification (germline): Likely pathogenic (1 of 4 stars; one submission).

Submission:

GeneDx
Classification: Likely pathogenic. Last evaluated: 2025-01-13. Review status: criteria provided, single submitter. Criteria: GeneDx Variant Classification Process June 2021. Collection method: clinical testing. Allele origin: germline. Affected: yes.
Comment: Not observed at significant frequency in large population cohorts (gnomAD); In silico analysis supports that this missense variant has a deleterious effect on protein structure/function; Has not been previously published as pathogenic or benign to our knowledge

NM_001943.5(DSG2):c.137G>T (p.Arg46Leu)

Gene: DSG2 (desmoglein 2; plus strand). Cytogenetic location: 18q12.1.
Variant type: single nucleotide variant.
Coding change: c.137G>T on transcript NM_001943.5 (MANE Select); coding-DNA position 137, G replaced by T.
Protein change: p.Arg46Leu; replaces arginine 46 with leucine.
Molecular consequence: missense variant.
Genome position (GRCh38, 1-based): chr18:31,519,858, G>T. VCF-style: chr18-31519858-G-T. GRCh37 (hg19) VCF-style: chr18-29099821-G-T.
Other names: short protein forms R46L.
Identifiers: ClinVar variation 4070583 (VCV004070583.1).